The following is an entry in ClinVar:

ClinVar aggregate classification (germline): Uncertain significance (1 of 4 stars; one submission).

Conditions:
Phenylketonuria (PKU). Also called: Phenylketonuria (PKU); OLIGOPHRENIA PHENYLPYRUVICA; FOLLING DISEASE; Phenylketonurias. Identifiers: Orphanet 716, MedGen C0031485, MONDO:0009861, OMIM 261600. Disease mechanism: loss of function.

Allele frequency attached by ClinVar (database versions not stated): gnomAD exomes below 0.00001; ExAC 0.00001; gnomAD 0.00002; TOPMed 0.00002; ESP Exome Variant Server 0.00008.
gnomAD v4.1: 5 of 1,614,008 alleles (0.00031%); highest among the groups gnomAD compares: African/African-American, 0.004%; no homozygotes.

Submission:

Labcorp Genetics (formerly Invitae), Labcorp
Classification: Uncertain significance for Phenylketonuria. Last evaluated: 2022-07-15. Review status: criteria provided, single submitter. Criteria: Invitae Variant Classification Sherloc (09022015). Collection method: clinical testing. Allele origin: germline.
Comment: This sequence change replaces serine, which is neutral and polar, with phenylalanine, which is neutral and non-polar, at codon 251 of the PAH protein (p.Ser251Phe). This variant is present in population databases (rs369646949, gnomAD 0.007%). This variant has not been reported in the literature in individuals affected with PAH-related conditions. Advanced modeling of protein sequence and biophysical properties (such as structural, functional, and spatial information, amino acid conservation, physicochemical variation, residue mobility, and thermodynamic stability) performed at Invitae indicates that this missense variant is expected to disrupt PAH protein function. In summary, the available evidence is currently insufficient to determine the role of this variant in disease. Therefore, it has been classified as a Variant of Uncertain Significance.

NM_000277.3(PAH):c.752C>T (p.Ser251Phe)

Gene: PAH (phenylalanine hydroxylase; minus strand). Cytogenetic location: 12q23.2.
Variant type: single nucleotide variant.
Coding change: c.752C>T on transcript NM_000277.3 (MANE Select); coding-DNA position 752, C replaced by T.
Protein change: p.Ser251Phe; replaces serine 251 with phenylalanine.
Molecular consequence: missense variant.
Genome position (GRCh38, 1-based): chr12:102,852,905, G>A on the plus strand (C>T on the coding strand, the complement: PAH is on the minus strand). VCF-style: chr12-102852905-G-A. GRCh37 (hg19) VCF-style: chr12-103246683-G-A.
Other names: c.752C>T, p.Ser251Phe (NM_001354304.2); short protein forms S251F.
Identifiers: ClinVar variation 2200553 (VCV002200553.1), dbSNP rs369646949, ClinGen allele CA6748846.